The following is an entry in ClinVar:

NM_001017995.3(SH3PXD2B):c.2506A>G (p.Arg836Gly)

Gene: SH3PXD2B (SH3 and PX domains 2B; minus strand). Cytogenetic location: 5q35.1.
Variant type: single nucleotide variant.
Coding change: c.2506A>G on transcript NM_001017995.3 (MANE Select); coding-DNA position 2506, A replaced by G.
Protein change: p.Arg836Gly; replaces arginine 836 with glycine.
Molecular consequence: missense variant. On other transcripts: intron variant (1).
Genome position (GRCh38, 1-based): chr5:172,338,599, T>C on the plus strand (A>G on the coding strand, the complement: SH3PXD2B is on the minus strand). VCF-style: chr5-172338599-T-C. GRCh37 (hg19) VCF-style: chr5-171765603-T-C.
Other names: c.1188+7537A>G (NM_001308175.2); short protein forms R836G.
Identifiers: ClinVar variation 1510845 (VCV001510845.3), dbSNP rs1327344968, ClinGen allele CA362145300.

ClinVar aggregate classification (germline): Uncertain significance (1 of 4 stars; one submission).

Allele frequency attached by ClinVar (database versions not stated): gnomAD exomes below 0.00001; TOPMed below 0.00001.
gnomAD v4.1: 5 of 1,614,102 alleles (0.00031%); highest among the groups gnomAD compares: Admixed American, 0.0033%; no homozygotes.

Submission:

Labcorp Genetics (formerly Invitae), Labcorp
Classification: Uncertain significance. Last evaluated: 2022-09-19. Review status: criteria provided, single submitter. Criteria: Invitae Variant Classification Sherloc (09022015). Collection method: clinical testing. Allele origin: germline.
Comment: This sequence change replaces arginine, which is basic and polar, with glycine, which is neutral and non-polar, at codon 836 of the SH3PXD2B protein (p.Arg836Gly). This variant is present in population databases (no rsID available, gnomAD 0.003%). This variant has not been reported in the literature in individuals affected with SH3PXD2B-related conditions. ClinVar contains an entry for this variant (Variation ID: 1510845). Algorithms developed to predict the effect of missense changes on protein structure and function are either unavailable or do not agree on the potential impact of this missense change (SIFT: "Deleterious"; PolyPhen-2: "Benign"; Align-GVGD: "Class C45"). In summary, the available evidence is currently insufficient to determine the role of this variant in disease. Therefore, it has been classified as a Variant of Uncertain Significance.